The following is an entry in ClinVar:

NM_004525.3(LRP2):c.9449G>A (p.Cys3150Tyr)

Gene: LRP2 (LDL receptor related protein 2; minus strand). Cytogenetic location: 2q31.1.
Variant type: single nucleotide variant.
Coding change: c.9449G>A on transcript NM_004525.3 (MANE Select); coding-DNA position 9449, G replaced by A.
Protein change: p.Cys3150Tyr; replaces cysteine 3150 with tyrosine.
Molecular consequence: missense variant.
Genome position (GRCh38, 1-based): chr2:169,185,899, C>T on the plus strand (G>A on the coding strand, the complement: LRP2 is on the minus strand). VCF-style: chr2-169185899-C-T. GRCh37 (hg19) VCF-style: chr2-170042409-C-T.
Other names: Cys3150Tyr; short protein forms C3150Y.
Identifiers: ClinVar variation 1710507 (VCV001710507.4), dbSNP rs2545755689, ClinGen allele CA349154560.
Genomic context (GRCh38, chr2:169,185,899, plus strand): 5'-ACATTCTCACACTTCTGGCTACAGACAAAAGGCATCTCTGTGCATTCATCAATATCAACA[C>T]AAGTCCGCTTGTCAGACATGAGCTTGTAACCAGGACGACAGGAACAATAGAAACTGGTTA-3'
Protein context (NP_004516.2, residues 3140-3160): GYKLMSDKRT[Cys3150Tyr]VDIDECTEMP

ClinVar aggregate classification (germline): Conflicting classifications of pathogenicity. Review status: criteria provided, conflicting classifications (1 of 4 stars). 3 submissions from 3 submitters: Likely pathogenic (2); Uncertain significance (1). Last evaluated 2023-11-10.

Conditions:
Donnai-Barrow syndrome. Also called: DBS/FOAR SYNDROME; FACIOOCULOACOUSTICORENAL SYNDROME. Identifiers: Orphanet 2143, MedGen C1857277, MONDO:0009104, OMIM 222448.
Hearing impairment. Also called: Impaired Hearing. Identifiers: MedGen C1384666, MONDO:0005365, HP:0000365.

Submissions (3):

Blueprint Genetics
Classification: Uncertain significance. Last evaluated: 2023-11-10. Review status: criteria provided, single submitter. Criteria: ACMG Guidelines, 2015. Collection method: clinical testing. Allele origin: germline.

Kariminejad - Najmabadi Pathology & Genetics Center
Classification: Likely pathogenic for Donnai-Barrow syndrome. Review status: criteria provided, single submitter. Criteria: ACMG Guidelines, 2015. Collection method: clinical testing. Allele origin: germline. Affected: no.

National Institute on Deafness and Communication Disorders, National Institutes of Health
Classification: Likely pathogenic for Hearing impairment. Review status: criteria provided, single submitter. Criteria: ClinGen HL ACMG Specifications v1. Collection method: research. Allele origin: germline. Inheritance: Autosomal recessive inheritance. Affected: yes. Observed: 1 compound heterozygote.
Comment: PM2, PM3, PP3